The following is an entry in ClinVar:

ClinVar aggregate classification (germline): Benign/Likely benign. Review status: criteria provided, multiple submitters, no conflicts (2 of 4 stars). 2 submissions from 2 submitters: Benign (1); Likely benign (1). Last evaluated 2026-09-29.

Conditions:
Neurofibromatosis, type 1 (NF1). Also called: NEUROFIBROMATOSIS, TYPE I, SOMATIC; Neurofibromatosis, type I; VON RECKLINGHAUSEN DISEASE; Peripheral type neurofibromatosis. Identifiers: Orphanet 636, MedGen C0027831, MONDO:0018975, OMIM 162200. Disease mechanism: loss of function.

Allele frequency attached by ClinVar (database versions not stated): ESP Exome Variant Server 0.00008.
gnomAD v4.1: 3 of 1,609,064 alleles (0.00019%); highest among the groups gnomAD compares: African/African-American, 0.004%; no homozygotes.

Submissions (2):

Myriad Genetics, Inc.
Classification: Benign for Neurofibromatosis, type 1. Last evaluated: 2026-09-29. Review status: criteria provided, single submitter. Criteria: Myriad Autosomal Dominant, Autosomal Recessive and X-Linked Classification Criteria (2023). Collection method: clinical testing. Allele origin: unknown.
Comment: This variant is considered benign. This variant is intronic and is not expected to impact mRNA splicing.

Labcorp Genetics (formerly Invitae), Labcorp
Classification: Likely benign for Neurofibromatosis, type 1. Last evaluated: 2025-10-29. Review status: criteria provided, single submitter. Criteria: Invitae Variant Classification Sherloc (09022015). Collection method: clinical testing. Allele origin: germline.

NM_001042492.3(NF1):c.6642+11C>T

Gene: NF1 (neurofibromin 1; plus strand). Cytogenetic location: 17q11.2.
Variant type: single nucleotide variant.
Coding change: c.6642+11C>T on transcript NM_001042492.3 (MANE Select); 11 bases into the intron after coding-DNA position 6642, C replaced by T.
Molecular consequence: intron variant.
Genome position (GRCh38, 1-based): chr17:31,337,593, C>T. VCF-style: chr17-31337593-C-T. GRCh37 (hg19) VCF-style: chr17-29664611-C-T.
Other names: c.6579+11C>T (NM_000267.4).
Identifiers: ClinVar variation 1571024 (VCV001571024.9), dbSNP rs375446476, ClinGen allele CA289386980.